The following is an entry in ClinVar:

ClinVar aggregate classification (germline): Likely pathogenic. Review status: criteria provided, multiple submitters, no conflicts (2 of 4 stars). 2 submissions from 2 submitters: Likely pathogenic (2). Last evaluated 2024-08-14.

Conditions:
Oculocutaneous albinism type 1A (OCA1A). Also called: Albinism, oculocutaneous, type IA. Identifiers: Orphanet 352731, Orphanet 79431, MedGen C4551504, MONDO:0008745, OMIM 203100. Disease mechanism: loss of function.
Oculocutaneous albinism type 1B (OCA1B). Also called: YELLOW ALBINISM; ALBINISM, OCULOCUTANEOUS, TYPE IB; ALBINISM, YELLOW MUTANT TYPE. Identifiers: Orphanet 352731, Orphanet 352737, Orphanet 79434, MedGen C1847024, MONDO:0011749, OMIM 606952.
SKIN/HAIR/EYE PIGMENTATION 3, LIGHT/DARK SKIN (SHEP3). Also called: SKIN/HAIR/EYE PIGMENTATION 3, BLUE/GREEN EYE COLOR; SKIN/HAIR/EYE PIGMENTATION 3, FRECKLING; EYE COLOR 1; EYE COLOR, GREEN/BLUE; SKIN/HAIR/EYE PIGMENTATION, VARIATION IN, 3. Identifiers: MedGen C2677190, OMIM 601800.

Allele frequency attached by ClinVar (database versions not stated): gnomAD exomes below 0.00001; ExAC 0.00001.

Submissions (2):

Labcorp Genetics (formerly Invitae), Labcorp
Classification: Likely pathogenic. Last evaluated: 2024-08-14. Review status: criteria provided, single submitter. Criteria: Invitae Variant Classification Sherloc (09022015). Collection method: clinical testing. Allele origin: germline.
Comment: This sequence change falls in intron 1 of the TYR gene. It does not directly change the encoded amino acid sequence of the TYR protein. It affects a nucleotide within the consensus splice site. This variant is present in population databases (rs763374476, gnomAD 0.0009%). This variant has been observed in individual(s) with oculocutaneous albinism (PMID: 29345414). In at least one individual the data is consistent with being in trans (on the opposite chromosome) from a pathogenic variant. ClinVar contains an entry for this variant (Variation ID: 1501820). Variants that disrupt the consensus splice site are a relatively common cause of aberrant splicing (PMID: 17576681, 9536098). Algorithms developed to predict the effect of sequence changes on RNA splicing suggest that this variant may disrupt the consensus splice site. This variant disrupts the c.820-3C nucleotide in the TYR gene. Other variant(s) that disrupt this nucleotide have been determined to be pathogenic (PMID: 13680365, 31077556). This suggests that this nucleotide is clinically significant, and that variants that disrupt this position are likely to be disease-causing. In summary, the currently available evidence indicates that the variant is pathogenic, but additional data are needed to prove that conclusively. Therefore, this variant has been classified as Likely Pathogenic.

Fulgent Genetics
Classification: Likely pathogenic for Oculocutaneous albinism type 1A; SKIN/HAIR/EYE PIGMENTATION 3, LIGHT/DARK SKIN; Oculocutaneous albinism type 1B. Last evaluated: 2024-04-29. Review status: criteria provided, single submitter. Criteria: ACMG Guidelines, 2015. Collection method: clinical testing. Allele origin: germline.

Literature cited by the submitters: PubMed 29345414 (cited by Labcorp Genetics (formerly Invitae), Labcorp); PubMed 17576681 (cited by Labcorp Genetics (formerly Invitae), Labcorp); PubMed 9536098 (cited by Labcorp Genetics (formerly Invitae), Labcorp); PubMed 13680365 (cited by Labcorp Genetics (formerly Invitae), Labcorp); PubMed 31077556 (cited by Labcorp Genetics (formerly Invitae), Labcorp).

NM_000372.5(TYR):c.820-3del

Gene: TYR (tyrosinase; plus strand). Cytogenetic location: 11q14.3.
Variant type: Deletion.
Coding change: c.820-3del on transcript NM_000372.5 (MANE Select); 3 bases into the intron before coding-DNA position 820, one base deleted (C; older notation c.820-3delC).
Molecular consequence: intron variant.
Genome position (GRCh38, 1-based): chr11:89,191,199, C deleted. VCF-style (leftmost placement, unchanged base first): chr11-89191198-AC-A. GRCh37 (hg19) VCF-style: chr11-88924366-AC-A.
Identifiers: ClinVar variation 1501820 (VCV001501820.7), dbSNP rs763374476, ClinGen allele CA6221226.